The following is an entry in ClinVar:

NM_000171.4(GLRA1):c.705C>G (p.Phe235Leu)

Gene: GLRA1 (glycine receptor alpha 1; minus strand). Cytogenetic location: 5q33.1.
Variant type: single nucleotide variant.
Coding change: c.705C>G on transcript NM_000171.4 (MANE Select); coding-DNA position 705, C replaced by G.
Protein change: p.Phe235Leu; replaces phenylalanine 235 with leucine.
Molecular consequence: missense variant.
Genome position (GRCh38, 1-based): chr5:151,851,597, G>C on the plus strand (C>G on the coding strand, the complement: GLRA1 is on the minus strand). VCF-style: chr5-151851597-G-C. GRCh37 (hg19) VCF-style: chr5-151231158-G-C.
Other names: c.705C>G, p.Phe235Leu (NM_001146040.2); c.456C>G, p.Phe152Leu (NM_001292000.2); short protein forms F235L, F152L.
Identifiers: ClinVar variation 372808 (VCV000372808.1), dbSNP rs1057517994, ClinGen allele CA16042510.

ClinVar aggregate classification (germline): Likely pathogenic (1 of 4 stars; one submission).

Allele frequency attached by ClinVar (database versions not stated): gnomAD exomes below 0.00001.
gnomAD v4.1: 1 of 1,607,654 alleles (0.000062%); highest among the groups gnomAD compares: Non-Finnish European, 0.000085%; no homozygotes.

Submission:

GeneDx
Classification: Likely pathogenic. Last evaluated: 2016-07-01. Review status: criteria provided, single submitter. Criteria: GeneDx Variant Classification (06012015). Collection method: clinical testing. Allele origin: germline. Affected: yes.
Comment: The F235L variant in the GLRA1 gene has been reported previously in two siblings with hyperekplexia who were compound heterozygous for another missense variant (Ursitti et al., 2014). The F235L variant was not observed in approximately 6500 individuals of European and African American ancestry in the NHLBI Exome Sequencing Project, indicating it is not a common benign variant in these populations. The F235L variant is a conservative amino acid substitution, which is not likely to impact secondary protein structure as these residues share similar properties. However, this substitution occurs at a position that is conserved across species. The F235L variant is located in the disulfide bond region and strychnine-binding region of the protein. In silico analysis predicts this variant is probably damaging to the protein structure/function. The F235L variant is a strong candidate for a pathogenic variant, however the possibility it may be a rare benign variant cannot be excluded.